The following is an entry in ClinVar:

ClinVar aggregate classification (germline): Uncertain significance. Review status: criteria provided, multiple submitters, no conflicts (2 of 4 stars). 2 submissions from 2 submitters: Uncertain significance (2). Last evaluated 2023-09-27.

Conditions:
Ehlers-Danlos syndrome, classic type, 1 (EDSCL1). Also called: Ehlers-Danlos syndrome, type 1; EDS I; EHLERS-DANLOS SYNDROME, GRAVIS TYPE; EHLERS-DANLOS SYNDROME, SEVERE CLASSIC TYPE; Ehlers-Danlos Syndrome, Classic Type, COL5A1-Related. Identifiers: MedGen C0268335, MONDO:0019567, OMIM 130000.

Submissions (2):

Blueprint Genetics
Classification: Uncertain significance. Last evaluated: 2023-09-27. Review status: criteria provided, single submitter. Criteria: ACMG Guidelines, 2015. Collection method: clinical testing. Allele origin: germline.

Labcorp Genetics (formerly Invitae), Labcorp
Classification: Uncertain significance for Ehlers-Danlos syndrome, classic type, 1. Last evaluated: 2021-12-09. Review status: criteria provided, single submitter. Criteria: Invitae Variant Classification Sherloc (09022015). Collection method: clinical testing. Allele origin: germline.
Comment: ClinVar contains an entry for this variant (Variation ID: 1025821). This sequence change replaces glycine, which is neutral and non-polar, with aspartic acid, which is acidic and polar, at codon 1143 of the COL5A2 protein (p.Gly1143Asp). This variant is not present in population databases (gnomAD no frequency). This missense change has been observed in individual(s) with Ehlers-Danlos syndrome (Invitae). Advanced modeling of protein sequence and biophysical properties (such as structural, functional, and spatial information, amino acid conservation, physicochemical variation, residue mobility, and thermodynamic stability) performed at Invitae indicates that this missense variant is expected to disrupt COL5A2 protein function. In summary, the available evidence is currently insufficient to determine the role of this variant in disease. Therefore, it has been classified as a Variant of Uncertain Significance.

NM_000393.5(COL5A2):c.3428G>A (p.Gly1143Asp)

Gene: COL5A2 (collagen type V alpha 2 chain; minus strand). Cytogenetic location: 2q32.2.
Variant type: single nucleotide variant.
Coding change: c.3428G>A on transcript NM_000393.5 (MANE Select); coding-DNA position 3428, G replaced by A.
Protein change: p.Gly1143Asp; replaces glycine 1143 with aspartic acid.
Molecular consequence: missense variant.
Genome position (GRCh38, 1-based): chr2:189,043,194, C>T on the plus strand (G>A on the coding strand, the complement: COL5A2 is on the minus strand). VCF-style: chr2-189043194-C-T. GRCh37 (hg19) VCF-style: chr2-189907920-C-T.
Other names: short protein forms G1143D.
Identifiers: ClinVar variation 1025821 (VCV001025821.9), dbSNP rs1685595072, ClinGen allele CA349860843.